The following is an entry in ClinVar:

NM_014874.4(MFN2):c.508G>T (p.Asp170Tyr)

Gene: MFN2 (mitofusin 2; plus strand). Cytogenetic location: 1p36.22.
Variant type: single nucleotide variant.
Coding change: c.508G>T on transcript NM_014874.4 (MANE Select); coding-DNA position 508, G replaced by T.
Protein change: p.Asp170Tyr; replaces aspartic acid 170 with tyrosine.
Molecular consequence: missense variant.
Genome position (GRCh38, 1-based): chr1:11,997,330, G>T. VCF-style: chr1-11997330-G-T. GRCh37 (hg19) VCF-style: chr1-12057387-G-T.
Other names: c.508G>T, p.Asp170Tyr (NM_001127660.2); short protein forms D170Y.
Identifiers: ClinVar variation 2000332 (VCV002000332.4), dbSNP rs2523021178, ClinGen allele CA338436357.

ClinVar aggregate classification (germline): Uncertain significance (1 of 4 stars; one submission).

Conditions:
Charcot-Marie-Tooth disease type 2. Also called: Charcot-Marie-Tooth type 2. Identifiers: Orphanet 64746, MedGen C0270914, MONDO:0018993.

Submission:

Labcorp Genetics (formerly Invitae), Labcorp
Classification: Uncertain significance for Charcot-Marie-Tooth disease type 2. Last evaluated: 2022-05-29. Review status: criteria provided, single submitter. Criteria: Invitae Variant Classification Sherloc (09022015). Collection method: clinical testing. Allele origin: germline.
Comment: This sequence change replaces aspartic acid, which is acidic and polar, with tyrosine, which is neutral and polar, at codon 170 of the MFN2 protein (p.Asp170Tyr). This variant is not present in population databases (gnomAD no frequency). This variant has not been reported in the literature in individuals affected with MFN2-related conditions. Advanced modeling of protein sequence and biophysical properties (such as structural, functional, and spatial information, amino acid conservation, physicochemical variation, residue mobility, and thermodynamic stability) performed at Invitae indicates that this missense variant is expected to disrupt MFN2 protein function. In summary, the available evidence is currently insufficient to determine the role of this variant in disease. Therefore, it has been classified as a Variant of Uncertain Significance.